The following is an entry in ClinVar:

ClinVar aggregate classification (germline): Uncertain significance (1 of 4 stars; one submission).

Conditions:
Inborn genetic diseases. Identifiers: MedGen C0950123, MeSH D030342.

Submission:

Ambry Genetics
Classification: Uncertain significance for Inborn genetic diseases. Last evaluated: 2025-07-12. Review status: criteria provided, single submitter. Criteria: Ambry Variant Classification Scheme 2023. Collection method: clinical testing. Allele origin: germline.
Comment: The p.V79G variant (also known as c.236T>G), located in coding exon 3 of the RUNX1 gene, results from a T to G substitution at nucleotide position 236. The valine at codon 79 is replaced by glycine, an amino acid with dissimilar properties. This amino acid position is conserved. In addition, this alteration is predicted to be deleterious by in silico analysis. Based on the available evidence, the clinical significance of this variant remains unclear.

NM_001754.5(RUNX1):c.236T>G (p.Val79Gly)

Gene: RUNX1 (RUNX family transcription factor 1; minus strand). Cytogenetic location: 21q22.12.
Variant type: single nucleotide variant.
Coding change: c.236T>G on transcript NM_001754.5 (MANE Select); coding-DNA position 236, T replaced by G.
Protein change: p.Val79Gly; replaces valine 79 with glycine.
Molecular consequence: missense variant.
Genome position (GRCh38, 1-based): chr21:34,886,958, A>C on the plus strand (T>G on the coding strand, the complement: RUNX1 is on the minus strand). VCF-style: chr21-34886958-A-C. GRCh37 (hg19) VCF-style: chr21-36259255-A-C.
Other names: c.155T>G, p.Val52Gly (NM_001001890.3, NM_001122607.2); short protein forms V52G, V79G.
Identifiers: ClinVar variation 4158204 (VCV004158204.1).